The following is an entry in ClinVar:

NM_201548.5(CERKL):c.678T>C (p.Gly226=)

Gene: CERKL (ceramide kinase like; minus strand). Cytogenetic location: 2q31.3.
Variant type: single nucleotide variant.
Coding change: c.678T>C on transcript NM_201548.5 (MANE Select); coding-DNA position 678, T replaced by C.
Protein change: p.Gly226=; no amino-acid change (glycine 226 retained).
Molecular consequence: synonymous variant. On other transcripts: non-coding transcript variant (2), intron variant (2).
Genome position (GRCh38, 1-based): chr2:181,558,708, A>G on the plus strand (T>C on the coding strand, the complement: CERKL is on the minus strand). VCF-style: chr2-181558708-A-G. GRCh37 (hg19) VCF-style: chr2-182423435-A-G.
Other names: c.756T>C, p.Ser252= (NM_001030311.3); c.624T>C, p.Ser208= (NM_001160277.2); c.482-9000T>C (NM_001030312.3); c.614-9000T>C (NM_001030313.3).
Identifiers: ClinVar variation 3355280 (VCV003355280.1).

ClinVar aggregate classification (germline): Likely benign (0 of 4 stars; one submission).

Conditions:
CERKL-related disorder. Also called: CERKL-related condition.

gnomAD v4.1: 3 of 1,613,478 alleles (0.00019%); highest among the groups gnomAD compares: Non-Finnish European, 0.00025%; no homozygotes.

Submission:

PreventionGenetics, part of Exact Sciences
Classification: Likely benign for CERKL-related condition. Last evaluated: 2024-09-18. Review status: no assertion criteria provided. Collection method: clinical testing. Allele origin: germline.
Comment: This variant is classified as likely benign based on ACMG/AMP sequence variant interpretation guidelines (Richards et al. 2015 PMID: 25741868, with internal and published modifications).